The following is an entry in ClinVar:

NM_203447.4(DOCK8):c.5441A>G (p.Tyr1814Cys)

Gene: DOCK8 (dedicator of cytokinesis 8; plus strand). Cytogenetic location: 9p24.3.
Variant type: single nucleotide variant.
Coding change: c.5441A>G on transcript NM_203447.4 (MANE Select); coding-DNA position 5441, A replaced by G.
Protein change: p.Tyr1814Cys; replaces tyrosine 1814 with cysteine.
Molecular consequence: missense variant.
Genome position (GRCh38, 1-based): chr9:441,960, A>G. VCF-style: chr9-441960-A-G. GRCh37 (hg19) VCF-style: chr9-441960-A-G.
Other names: c.5141A>G, p.Tyr1714Cys (NM_001190458.2); c.5237A>G, p.Tyr1746Cys (NM_001193536.2); short protein forms Y1714C, Y1746C, Y1814C.
Identifiers: ClinVar variation 3623780 (VCV003623780.2).

ClinVar aggregate classification (germline): Uncertain significance (1 of 4 stars; one submission).

Conditions:
Combined immunodeficiency due to DOCK8 deficiency (HIES2). Also called: HIES autosomal recessive; HYPER-IgE RECURRENT INFECTION SYNDROME 2, AUTOSOMAL RECESSIVE; Hyper-IgE recurrent infection syndrome, autosomal recessive; HYPER-IgE SYNDROME 2, AUTOSOMAL RECESSIVE, WITH RECURRENT INFECTIONS; DOCK8 Deficiency. Identifiers: Orphanet 217390, MedGen C4722305, MONDO:0009478, OMIM 243700.

gnomAD v4.1: 1 of 1,614,166 alleles (0.000062%); highest among the groups gnomAD compares: Non-Finnish European, 0.000085%; no homozygotes.

Submission:

Labcorp Genetics (formerly Invitae), Labcorp
Classification: Uncertain significance for Combined immunodeficiency due to DOCK8 deficiency. Last evaluated: 2024-09-09. Review status: criteria provided, single submitter. Criteria: Invitae Variant Classification Sherloc (09022015). Collection method: clinical testing. Allele origin: germline.
Comment: This sequence change replaces tyrosine, which is neutral and polar, with cysteine, which is neutral and slightly polar, at codon 1814 of the DOCK8 protein (p.Tyr1814Cys). This variant is not present in population databases (gnomAD no frequency). This variant has not been reported in the literature in individuals affected with DOCK8-related conditions. Invitae Evidence Modeling of protein sequence and biophysical properties (such as structural, functional, and spatial information, amino acid conservation, physicochemical variation, residue mobility, and thermodynamic stability) indicates that this missense variant is expected to disrupt DOCK8 protein function with a positive predictive value of 80%. In summary, the available evidence is currently insufficient to determine the role of this variant in disease. Therefore, it has been classified as a Variant of Uncertain Significance.